The following is an entry in ClinVar:

NM_000384.3(APOB):c.10327G>T (p.Glu3443Ter)

Gene: APOB (apolipoprotein B; minus strand). Cytogenetic location: 2p24.1.
Variant type: single nucleotide variant.
Coding change: c.10327G>T on transcript NM_000384.3 (MANE Select); coding-DNA position 10327, G replaced by T.
Protein change: p.Glu3443Ter; replaces glutamic acid 3443 with a stop codon.
Molecular consequence: nonsense.
Genome position (GRCh38, 1-based): chr2:21,006,541, C>A on the plus strand (G>T on the coding strand, the complement: APOB is on the minus strand). VCF-style: chr2-21006541-C-A. GRCh37 (hg19) VCF-style: chr2-21229413-C-A.
Other names: short protein forms E3443*.
Identifiers: ClinVar variation 1454956 (VCV001454956.6), dbSNP rs2103351967, ClinGen allele CA345986771.

ClinVar aggregate classification (germline): Pathogenic (1 of 4 stars; one submission).

Conditions:
Familial hypobetalipoproteinemia 1. Also called: APOB-Related Familial Hypobetalipoproteinemia; Hypobetalipoproteinemia, normotriglyceridemic; Acanthocytosis with hypobetalipoproteinemia. Identifiers: MedGen C4551990, MONDO:0014252, OMIM 615558.
Hypercholesterolemia, autosomal dominant, type B (FHCL2). Also called: Familial Hypercholesterolemia Type B; APOLIPOPROTEIN B-100, FAMILIAL DEFECTIVE; APOLIPOPROTEIN B-100, FAMILIAL LIGAND-DEFECTIVE; HYPERCHOLESTEROLEMIA, FAMILIAL, DUE TO LIGAND-DEFECTIVE APOLIPOPROTEIN B; Familial hypercholesterolemia 2; Hyperlipoproteinemia Type IIb. Identifiers: MedGen C1704417, MONDO:0007751, OMIM 144010.

gnomAD v4.1: 1 of 1,614,068 alleles (0.000062%); highest among the groups gnomAD compares: Non-Finnish European, 0.000085%; no homozygotes.

Submission:

Labcorp Genetics (formerly Invitae), Labcorp
Classification: Pathogenic for Familial hypobetalipoproteinemia 1; Hypercholesterolemia, autosomal dominant, type B. Last evaluated: 2023-10-10. Review status: criteria provided, single submitter. Criteria: Invitae Variant Classification Sherloc (09022015). Collection method: clinical testing. Allele origin: germline.
Comment: This sequence change creates a premature translational stop signal (p.Glu3443*) in the APOB gene. It is expected to result in an absent or disrupted protein product. Loss-of-function variants in APOB are known to be pathogenic (PMID: 20032471). This variant is not present in population databases (gnomAD no frequency). This variant has not been reported in the literature in individuals affected with APOB-related conditions. ClinVar contains an entry for this variant (Variation ID: 1454956). For these reasons, this variant has been classified as Pathogenic.

Literature cited by the submitters: PubMed 20032471.